The following is an entry in ClinVar:

NM_004304.5(ALK):c.616G>A (p.Ala206Thr)

Gene: ALK (ALK receptor tyrosine kinase; minus strand). Cytogenetic location: 2p23.1.
Variant type: single nucleotide variant.
Coding change: c.616G>A on transcript NM_004304.5 (MANE Select); coding-DNA position 616, G replaced by A.
Protein change: p.Ala206Thr; replaces alanine 206 with threonine.
Molecular consequence: missense variant.
Genome position (GRCh38, 1-based): chr2:29,920,044, C>T on the plus strand (G>A on the coding strand, the complement: ALK is on the minus strand). VCF-style: chr2-29920044-C-T. GRCh37 (hg19) VCF-style: chr2-30142910-C-T.
Other names: short protein forms A206T.
Identifiers: ClinVar variation 538257 (VCV000538257.16), dbSNP rs141093002, ClinGen allele CA1594933.
Genomic context (GRCh38, chr2:29,920,044, plus strand): 5'-GCTGCTCACCAGTCCCGAAGATCTGGAAGAGAAGGCGGGGCTGGGAGGCGCGAATTGCCG[C>T]GGACAGCCTTCCCTCTCTGCCCACTTCCGACGCCTTCTTCTCGGGCATCAGGCGGATCCT-3'
Protein context (NP_004295.2, residues 196-216): SEVGREGRLS[Ala206Thr]AIRASQPRLL

ClinVar aggregate classification (germline): Conflicting classifications of pathogenicity. Review status: criteria provided, conflicting classifications (1 of 4 stars). 5 submissions from 5 submitters: Uncertain significance (4); Likely benign (1). Last evaluated 2026-01-25.

Conditions:
Neuroblastoma, susceptibility to, 3. Also called: ALK-Related Neuroblastic Tumor Susceptibility. Identifiers: Orphanet 635, MedGen C2751681, MONDO:0013083, OMIM 613014.
Hereditary cancer-predisposing syndrome. Also called: Neoplastic Syndromes, Hereditary; Tumor predisposition; Hereditary Cancer Syndrome; Hereditary neoplastic syndrome. Identifiers: Orphanet 140162, MedGen C0027672, MeSH D009386, MONDO:0015356.

Allele frequency attached by ClinVar (database versions not stated): TOPMed 0.00002; ExAC 0.00003; ESP Exome Variant Server 0.00008; 1000 Genomes Project 30x 0.00016; 1000 Genomes Project 0.00020.

Submissions (5):

Labcorp Genetics (formerly Invitae), Labcorp
Classification: Uncertain significance for Neuroblastoma, susceptibility to, 3. Last evaluated: 2026-01-25. Review status: criteria provided, single submitter. Criteria: Invitae Variant Classification Sherloc (09022015). Collection method: clinical testing. Allele origin: germline.
Comment: This sequence change replaces alanine, which is neutral and non-polar, with threonine, which is neutral and polar, at codon 206 of the ALK protein (p.Ala206Thr). This variant is present in population databases (rs141093002, gnomAD 0.01%). This variant has not been reported in the literature in individuals affected with ALK-related conditions. ClinVar contains an entry for this variant (Variation ID: 538257). An algorithm developed to predict the effect of missense changes on protein structure and function outputs the following: PolyPhen-2: "Benign". The threonine amino acid residue is found in multiple mammalian species, which suggests that this missense change does not adversely affect protein function. In summary, the available evidence is currently insufficient to determine the role of this variant in disease. Therefore, it has been classified as a Variant of Uncertain Significance.

Ambry Genetics
Classification: Uncertain significance for Hereditary cancer-predisposing syndrome. Last evaluated: 2025-02-13. Review status: criteria provided, single submitter. Criteria: Ambry Variant Classification Scheme 2023. Collection method: clinical testing. Allele origin: germline.
Comment: The p.A206T variant (also known as c.616G>A), located in coding exon 1 of the ALK gene, results from a G to A substitution at nucleotide position 616. The alanine at codon 206 is replaced by threonine, an amino acid with similar properties. This amino acid position is conserved. In addition, this alteration is predicted to be tolerated by in silico analysis. Since supporting evidence is limited at this time, the clinical significance of this alteration remains unclear.

Revvity Omics, Revvity
Classification: Uncertain significance. Last evaluated: 2022-05-12. Review status: criteria provided, single submitter. Criteria: ACMG Guidelines, 2015. Collection method: clinical testing. Allele origin: germline.

Sema4
Classification: Likely benign for Hereditary cancer-predisposing syndrome. Last evaluated: 2021-05-20. Review status: criteria provided, single submitter. Criteria: Sema4 Curation Guidelines. Collection method: curation. Allele origin: germline.

Breakthrough Genomics
Classification: Uncertain significance. Review status: criteria provided, single submitter. Criteria: ACMG Guidelines, 2015. Collection method: not provided. Allele origin: germline. Inheritance: Unknown mechanism. Affected: yes.